The following is an entry in ClinVar:

ClinVar aggregate classification (germline): Benign/Likely benign. Review status: criteria provided, multiple submitters, no conflicts (2 of 4 stars). 11 submissions from 11 submitters: Benign (7); Likely benign (1). 3 of the submissions do not count toward it. Last evaluated 2026-02-01.

Conditions:
Autosomal recessive distal spinal muscular atrophy 1. Also called: HMN VI; NEURONOPATHY, SEVERE INFANTILE AXONAL, WITH RESPIRATORY FAILURE; NEURONOPATHY, DISTAL HEREDITARY MOTOR, HARDING TYPE VI; NEUROPATHY, DISTAL HEREDITARY MOTOR, AUTOSOMAL RECESSIVE 1; SEVERE INFANTILE AXONAL NEUROPATHY WITH RESPIRATORY FAILURE; SPINAL MUSCULAR ATROPHY, DIAPHRAGMATIC. Identifiers: Orphanet 98920, MedGen C1858517, MONDO:0011436, OMIM 604320.
Charcot-Marie-Tooth disease axonal type 2S. Also called: CHARCOT-MARIE-TOOTH DISEASE, AXONAL, AUTOSOMAL RECESSIVE, TYPE 2S; CHARCOT-MARIE-TOOTH NEUROPATHY, TYPE 2S. Identifiers: Orphanet 443073, MedGen C4015349, MONDO:0014511, OMIM 616155.
Charcot-Marie-Tooth disease. Also called: Charcot-Marie-Tooth Hereditary Neuropathy; Charcot-Marie-Tooth Neuropathy. Identifiers: Orphanet 166, MedGen C0007959, MONDO:0015626.
IGHMBP2-related disorder. Also called: IGHMBP2-related disorders; IGHMBP2-related condition.

Allele frequency attached by ClinVar (database versions not stated): gnomAD 0.00002 and 0.00078; TOPMed 0.00019; 1000 Genomes Project 30x 0.00375; ExAC 0.00443; 1000 Genomes Project 0.00459.
gnomAD v4.1: 2,154 of 1,607,442 alleles (0.13%); highest among the groups gnomAD compares: South Asian, 2.2%; 51 homozygotes.

Submissions (11):

Labcorp Genetics (formerly Invitae), Labcorp
Classification: Benign for Autosomal recessive distal spinal muscular atrophy 1; Charcot-Marie-Tooth disease axonal type 2S. Last evaluated: 2026-02-01. Review status: criteria provided, single submitter. Criteria: Invitae Variant Classification Sherloc (09022015). Collection method: clinical testing. Allele origin: germline.

Blueprint Genetics
Classification: Likely benign. Last evaluated: 2024-11-18. Review status: criteria provided, single submitter. Criteria: ACMG Guidelines, 2015. Collection method: clinical testing. Allele origin: germline.

Mayo Clinic Laboratories, Mayo Clinic
Classification: Benign. Last evaluated: 2024-06-03. Review status: criteria provided, single submitter. Criteria: ACMG Guidelines, 2015. Collection method: clinical testing. Allele origin: germline. Observed: 2 variant alleles.
Comment: BS1, BS2, BP4, BP7

Athena Diagnostics
Classification: Benign. Last evaluated: 2023-12-15. Review status: criteria provided, single submitter. Criteria: Athena Diagnostics Criteria. Collection method: clinical testing. Allele origin: unknown.

ARUP Laboratories, Molecular Genetics and Genomics, ARUP Laboratories
Classification: Benign. Last evaluated: 2023-11-21. Review status: criteria provided, single submitter. Criteria: ARUP Molecular Germline Variant Investigation Process 2024. Collection method: clinical testing. Allele origin: germline.

Illumina Laboratory Services, Illumina
Classification: Benign for Autosomal recessive distal spinal muscular atrophy 1. Last evaluated: 2018-01-12. Review status: criteria provided, single submitter. Criteria: ICSL Variant Classification Criteria 13 December 2019. Collection method: clinical testing. Allele origin: germline.
Comment: This variant was observed in the ICSL laboratory as part of a predisposition screen in an ostensibly healthy population. It had not been previously curated by ICSL or reported in the Human Gene Mutation Database (HGMD: prior to June 1st, 2018), and was therefore a candidate for classification through an automated scoring system. Utilizing variant allele frequency, disease prevalence and penetrance estimates, and inheritance mode, an automated score was calculated to assess if this variant is too frequent to cause the disease. Based on the score and internal cut-off values, a variant classified as benign is not then subjected to further curation. The score for this variant resulted in a classification of benign for this disease.

GeneDx
Classification: Benign. Last evaluated: 2016-09-07. Review status: criteria provided, single submitter. Criteria: GeneDx Variant Classification (06012015). Collection method: clinical testing. Allele origin: germline. Affected: yes.
Comment: This variant is considered likely benign or benign based on one or more of the following criteria: it is a conservative change, it occurs at a poorly conserved position in the protein, it is predicted to be benign by multiple in silico algorithms, and/or has population frequency not consistent with disease.

Molecular Genetics Laboratory, London Health Sciences Centre
Classification: Benign for Charcot-Marie-Tooth disease. Review status: criteria provided, single submitter. Criteria: ACMG Guidelines, 2015. Collection method: clinical testing. Allele origin: germline. Affected: yes.

PreventionGenetics, part of Exact Sciences
Classification: Benign for IGHMBP2-related condition. Last evaluated: 2023-01-10. Review status: no assertion criteria provided. Collection method: clinical testing. Allele origin: germline. Not counted in ClinVar's aggregate classification.
Comment: This variant is classified as benign based on ACMG/AMP sequence variant interpretation guidelines (Richards et al. 2015 PMID: 25741868, with internal and published modifications).

Clinical Genetics, Academic Medical Center
Classification: Likely benign. Review status: no assertion criteria provided. Collection method: clinical testing. Allele origin: germline. Affected: yes. Study: VKGL Data-share Consensus. Not counted in ClinVar's aggregate classification.

Genome Diagnostics Laboratory, University Medical Center Utrecht
Classification: Likely benign. Review status: no assertion criteria provided. Collection method: clinical testing. Allele origin: germline. Affected: yes. Study: VKGL Data-share Consensus. Not counted in ClinVar's aggregate classification.

NM_002180.3(IGHMBP2):c.2979G>A (p.Thr993=)

Gene: IGHMBP2 (immunoglobulin mu DNA binding protein 2; plus strand). Cytogenetic location: 11q13.3.
Variant type: single nucleotide variant.
Coding change: c.2979G>A on transcript NM_002180.3 (MANE Select); coding-DNA position 2979, G replaced by A.
Protein change: p.Thr993=; no amino-acid change (threonine 993 retained).
Molecular consequence: synonymous variant.
Genome position (GRCh38, 1-based): chr11:68,939,728, G>A. VCF-style: chr11-68939728-G-A. GRCh37 (hg19) VCF-style: chr11-68707196-G-A.
Other names: p.Thr993=.
Identifiers: ClinVar variation 258574 (VCV000258574.28), dbSNP rs201760315, ClinGen allele CA6154075.